The following is an entry in ClinVar:

ClinVar aggregate classification (germline): Pathogenic. Review status: criteria provided, multiple submitters, no conflicts (2 of 4 stars). 2 submissions from 2 submitters: Pathogenic (2). Last evaluated 2023-08-17.

Conditions:
Hereditary nonpolyposis colorectal neoplasms. Identifiers: MedGen C0009405, MeSH D003123.
Lynch syndrome 5 (LYNCH5). Also called: Hereditary non-polyposis colorectal cancer, type 5; Colorectal cancer, hereditary nonpolyposis, type 5. Identifiers: Orphanet 144, MedGen C1833477, MONDO:0013710, OMIM 614350. Disease mechanism: loss of function.

Submissions (2):

Myriad Genetics, Inc.
Classification: Pathogenic for Lynch syndrome 5. Last evaluated: 2023-08-17. Review status: criteria provided, single submitter. Criteria: Myriad Autosomal Dominant, Autosomal Recessive and X-Linked Classification Criteria (2023). Collection method: clinical testing. Allele origin: unknown.
Comment: This variant is considered pathogenic. This variant creates a frameshift predicted to result in premature protein truncation.

Labcorp Genetics (formerly Invitae), Labcorp
Classification: Pathogenic for Hereditary nonpolyposis colorectal neoplasms. Last evaluated: 2019-03-07. Review status: criteria provided, single submitter. Criteria: Invitae Variant Classification Sherloc (09022015). Collection method: clinical testing. Allele origin: germline.
Comment: For these reasons, this variant has been classified as Pathogenic. Loss-of-function variants in MSH6 are known to be pathogenic (PMID: 18269114, 24362816). This variant has not been reported in the literature in individuals with MSH6-related conditions. This variant is not present in population databases (ExAC no frequency). This sequence change creates a premature translational stop signal (p.Ile871Lysfs*3) in the MSH6 gene. It is expected to result in an absent or disrupted protein product.

Literature cited by the submitters: PubMed 18269114 (cited by Labcorp Genetics (formerly Invitae), Labcorp); PubMed 24362816 (cited by Labcorp Genetics (formerly Invitae), Labcorp).

NM_000179.3(MSH6):c.2610_2611dup (p.Ile871fs)

Gene: MSH6 (mutS homolog 6; plus strand). Cytogenetic location: 2p16.3.
Variant type: Duplication.
Coding change: c.2610_2611dup on transcript NM_000179.3 (MANE Select); coding-DNA positions 2610 to 2611, 2 bases duplicated (AA; older notation c.2610_2611dupAA).
Protein change: p.Ile871fs; shifts the reading frame from isoleucine 871.
Molecular consequence: frameshift variant.
Genome position (GRCh38, 1-based): chr2:47,800,593-47,800,594, AA duplicated; duplicating any 2 consecutive bases within chr2:47,800,591-47,800,594 gives the same sequence; the c. name uses the placement nearest the transcript's 3' end. VCF-style (leftmost placement, unchanged base first): chr2-47800590-T-TAA. GRCh37 (hg19) VCF-style: chr2-48027729-T-TAA.
Other names: c.2220_2221dup, p.Ile741fs (NM_001281492.2); c.1704_1705dup, p.Ile569fs (NM_001281493.2, NM_001281494.2); short protein forms I741fs, I569fs, I871fs.
Identifiers: ClinVar variation 834925 (VCV000834925.9), dbSNP rs1669487701, ClinGen allele CA916079971.